The following is an entry in ClinVar:

NM_016123.4(IRAK4):c.850T>C (p.Ser284Pro)

Gene: IRAK4 (interleukin 1 receptor associated kinase 4; plus strand). Cytogenetic location: 12q12.
Variant type: single nucleotide variant.
Coding change: c.850T>C on transcript NM_016123.4 (MANE Select); coding-DNA position 850, T replaced by C.
Protein change: p.Ser284Pro; replaces serine 284 with proline.
Molecular consequence: missense variant.
Genome position (GRCh38, 1-based): chr12:43,778,211, T>C. VCF-style: chr12-43778211-T-C. GRCh37 (hg19) VCF-style: chr12-44172014-T-C.
Other names: c.850T>C, p.Ser284Pro (NM_001114182.3, NM_001351345.2); c.478T>C, p.Ser160Pro (NM_001145256.2, NM_001145257.2, NM_001145258.2 and 5 more transcripts); c.241T>C, p.Ser81Pro (NM_001351343.2, NM_001351344.2); c.850T>C (NM_016123.3); short protein forms S160P, S284P, S81P.
Identifiers: ClinVar variation 1060728 (VCV001060728.7), dbSNP rs778616067, ClinGen allele CA6522512.
Genomic context (GRCh38, chr12:43,778,211, plus strand): 5'-ATTATTCTTTCTCATTTTTAATTTGGTTTATTTCTTTATAAGGATGGTACTCCACCACTT[T>C]CTTGGCACATGAGATGCAAGATTGCTCAGGGTGCAGCTAATGGCATCAATTTTCTACATG-3'
Protein context (NP_057207.2, residues 274-294): LSCLDGTPPL[Ser284Pro]WHMRCKIAQG

ClinVar aggregate classification (germline): Uncertain significance. Review status: criteria provided, multiple submitters, no conflicts (2 of 4 stars). 2 submissions from 2 submitters: Uncertain significance (2). Last evaluated 2026-03-03.

Conditions:
Immunodeficiency 67. Also called: Immunodeficiency due to interleukin-1 receptor-associated kinase-4 deficiency. Identifiers: Orphanet 70592, MedGen C1843256, MONDO:0011888, OMIM 607676.

Allele frequency attached by ClinVar (database versions not stated): gnomAD 0.00001; ExAC 0.00002; TOPMed 0.00002; gnomAD exomes 0.00003.
gnomAD v4.1: 6 of 1,606,340 alleles (0.00037%); highest among the groups gnomAD compares: Admixed American, 0.0083%; no homozygotes.

Submissions (2):

GeneDx
Classification: Uncertain significance. Last evaluated: 2026-03-03. Review status: criteria provided, single submitter. Criteria: GeneDx Variant Classification Process June 2021. Collection method: clinical testing. Allele origin: germline.
Comment: In silico analysis suggests that this missense variant does not alter protein structure/function; Has not been previously published as pathogenic or benign to our knowledge

Labcorp Genetics (formerly Invitae), Labcorp
Classification: Uncertain significance for Immunodeficiency 67. Last evaluated: 2021-08-26. Review status: criteria provided, single submitter. Criteria: Invitae Variant Classification Sherloc (09022015). Collection method: clinical testing. Allele origin: germline.
Comment: This sequence change replaces serine with proline at codon 284 of the IRAK4 protein (p.Ser284Pro). The serine residue is moderately conserved and there is a moderate physicochemical difference between serine and proline. This variant is present in population databases (rs778616067, ExAC 0.02%). This variant has not been reported in the literature in individuals affected with IRAK4-related conditions. Algorithms developed to predict the effect of missense changes on protein structure and function output the following: SIFT: "Deleterious"; PolyPhen-2: "Benign"; Align-GVGD: "Class C0". The proline amino acid residue is found in multiple mammalian species, which suggests that this missense change does not adversely affect protein function. In summary, the available evidence is currently insufficient to determine the role of this variant in disease. Therefore, it has been classified as a Variant of Uncertain Significance.